The following is an entry in ClinVar:

NM_001372.4(DNAH9):c.8837G>A (p.Arg2946Gln)

Gene: DNAH9 (dynein axonemal heavy chain 9; plus strand). Cytogenetic location: 17p12.
Variant type: single nucleotide variant.
Coding change: c.8837G>A on transcript NM_001372.4 (MANE Select); coding-DNA position 8837, G replaced by A.
Protein change: p.Arg2946Gln; replaces arginine 2946 with glutamine.
Molecular consequence: missense variant.
Genome position (GRCh38, 1-based): chr17:11,822,049, G>A. VCF-style: chr17-11822049-G-A. GRCh37 (hg19) VCF-style: chr17-11725366-G-A.
Other names: c.8837G>A (NM_001372.3); short protein forms R2946Q.
Identifiers: ClinVar variation 3020345 (VCV003020345.2), dbSNP rs372709792, ClinGen allele CA8397049.
Genomic context (GRCh38, chr17:11,822,049, plus strand): 5'-AGAGCCAGGGTCTGGTTGACAACAGAGAGAACTGTTGGAAGTTCTTTATAGATCGGATCC[G>A]GCGACAGCTGAAGGTAAAGAGCATTTACTGACAGGGGCAGGCAGAGACCCGAGATGATTC-3'
Protein context (NP_001363.2, residues 2936-2956): NCWKFFIDRI[Arg2946Gln]RQLKVTLCFS

ClinVar aggregate classification (germline): Conflicting classifications of pathogenicity. Review status: criteria provided, conflicting classifications (1 of 4 stars). 2 submissions from 2 submitters: Uncertain significance (1); Likely benign (1). Last evaluated 2023-10-17.

Conditions:
Inborn genetic diseases. Identifiers: MedGen C0950123, MeSH D030342.

gnomAD v4.1: 36 of 1,612,336 alleles (0.0022%); highest among the groups gnomAD compares: Middle Eastern, 0.017%; no homozygotes.

Submissions (2):

Labcorp Genetics (formerly Invitae), Labcorp
Classification: Uncertain significance. Last evaluated: 2023-10-17. Review status: criteria provided, single submitter. Criteria: Invitae Variant Classification Sherloc (09022015). Collection method: clinical testing. Allele origin: germline.
Comment: This sequence change replaces arginine, which is basic and polar, with glutamine, which is neutral and polar, at codon 2946 of the DNAH9 protein (p.Arg2946Gln). This variant is present in population databases (rs372709792, gnomAD 0.01%). This variant has not been reported in the literature in individuals affected with DNAH9-related conditions. Advanced modeling of protein sequence and biophysical properties (such as structural, functional, and spatial information, amino acid conservation, physicochemical variation, residue mobility, and thermodynamic stability) performed at Invitae indicates that this missense variant is not expected to disrupt DNAH9 protein function. In summary, the available evidence is currently insufficient to determine the role of this variant in disease. Therefore, it has been classified as a Variant of Uncertain Significance.

Ambry Genetics
Classification: Likely benign for Inborn genetic diseases. Last evaluated: 2023-10-10. Review status: criteria provided, single submitter. Criteria: Ambry Variant Classification Scheme 2023. Collection method: clinical testing. Allele origin: germline.